The following is an entry in ClinVar:

ClinVar aggregate classification (germline): Uncertain significance (1 of 4 stars; one submission).

gnomAD v4.1: 7 of 1,608,784 alleles (0.00044%); highest among the groups gnomAD compares: Non-Finnish European, 0.00059%; no homozygotes.

Submission:

GeneDx
Classification: Uncertain significance. Last evaluated: 2026-02-03. Review status: criteria provided, single submitter. Criteria: GeneDx Variant Classification Process June 2021. Collection method: clinical testing. Allele origin: germline.
Comment: Not observed at significant frequency in large population cohorts (gnomAD); In silico analysis supports that this missense variant has a deleterious effect on protein structure/function; Has not been previously published as pathogenic or benign to our knowledge

NM_144973.4(DENND5B):c.2017T>C (p.Trp673Arg)

Gene: DENND5B (DENN domain containing 5B; minus strand). Cytogenetic location: 12p11.21.
Variant type: single nucleotide variant.
Coding change: c.2017T>C on transcript NM_144973.4 (MANE Select); coding-DNA position 2017, T replaced by C.
Protein change: p.Trp673Arg; replaces tryptophan 673 with arginine.
Molecular consequence: missense variant.
Genome position (GRCh38, 1-based): chr12:31,433,244, A>G on the plus strand (T>C on the coding strand, the complement: DENND5B is on the minus strand). VCF-style: chr12-31433244-A-G. GRCh37 (hg19) VCF-style: chr12-31586178-A-G.
Other names: c.2122T>C, p.Trp708Arg (NM_001308339.2); c.2083T>C, p.Trp695Arg (NM_001366890.1); short protein forms W673R, W695R, W708R.
Identifiers: ClinVar variation 4976178 (VCV004976178.1).